The following is an entry in ClinVar:

NM_000020.3(ACVRL1):c.677T>A (p.Val226Glu)

Gene: ACVRL1 (activin A receptor like type 1; plus strand). Cytogenetic location: 12q13.13.
Variant type: single nucleotide variant.
Coding change: c.677T>A on transcript NM_000020.3 (MANE Select); coding-DNA position 677, T replaced by A.
Protein change: p.Val226Glu; replaces valine 226 with glutamic acid.
Molecular consequence: missense variant.
Genome position (GRCh38, 1-based): chr12:51,914,490, T>A. VCF-style: chr12-51914490-T-A. GRCh37 (hg19) VCF-style: chr12-52308274-T-A.
Other names: c.677T>A, p.Val226Glu (NM_001077401.2); short protein forms V226E.
Identifiers: ClinVar variation 617958 (VCV000617958.12), dbSNP rs1565593639, ClinGen allele CA384900054.

ClinVar aggregate classification (germline): Pathogenic/Likely pathogenic. Review status: criteria provided, multiple submitters, no conflicts (2 of 4 stars). 2 submissions from 2 submitters: Pathogenic (1); Likely pathogenic (1). Last evaluated 2022-12-02.

Conditions:
Telangiectasia, hereditary hemorrhagic, type 2 (HHT2). Also called: ACVRL1-Related Hereditary Hemorrhagic Telangiectasia; Telangiectasia, hereditary hemorrhagic, type II. Identifiers: Orphanet 774, MedGen C1838163, MONDO:0010880, OMIM 600376. Disease mechanism: loss of function.

Submissions (2):

Labcorp Genetics (formerly Invitae), Labcorp
Classification: Pathogenic for Telangiectasia, hereditary hemorrhagic, type 2. Last evaluated: 2022-12-02. Review status: criteria provided, single submitter. Criteria: Invitae Variant Classification Sherloc (09022015). Collection method: clinical testing. Allele origin: germline.
Comment: This variant is not present in population databases (gnomAD no frequency). For these reasons, this variant has been classified as Pathogenic. This variant disrupts the p.Val226 amino acid residue in ACVRL1. Other variant(s) that disrupt this residue have been observed in individuals with ACVRL1-related conditions (PMID: 24001356, 27316748), which suggests that this may be a clinically significant amino acid residue. Advanced modeling of protein sequence and biophysical properties (such as structural, functional, and spatial information, amino acid conservation, physicochemical variation, residue mobility, and thermodynamic stability) performed at Invitae indicates that this missense variant is expected to disrupt ACVRL1 protein function. ClinVar contains an entry for this variant (Variation ID: 617958). This missense change has been observed in individuals with clinical features of ACVRL1-related conditions (PMID: 20414677, 30578397; Invitae). This sequence change replaces valine, which is neutral and non-polar, with glutamic acid, which is acidic and polar, at codon 226 of the ACVRL1 protein (p.Val226Glu).

ARUP Laboratories, Molecular Genetics and Genomics, ARUP Laboratories
Classification: Likely pathogenic. Last evaluated: 2017-06-09. Review status: criteria provided, single submitter. Criteria: ARUP Molecular Germline Variant Investigation Process. Collection method: clinical testing. Allele origin: germline.
Comment: The ACVRL1 c.677T>A; p.Val226Glu variant has been reported in the literature to segregate with disease in a family affected with hereditary hemorrhagic telangiectasia (HHT) (Richards-Yutz 2010). In addition, two other variants at this codon (p.Val226Leu, p.Val226Met) have been associated with HHT or pulmonary arterial hypertension (PAH) (Piao 2016, Torring 2014). The p.Val226Glu variant is absent from general population databases (Exome Variant Server, Genome Aggregation Database). The valine at codon 226 is a highly conserved residue in the ATP-binding site of the protein kinase domain (InterPro), and computational algorithms (SIFT, PolyPhen2, MutationTaster, Align GVGD) predict this variant to be damaging to the protein. Taken together, this variant is considered likely pathogenic. REFERENCES Piao C et al. Identification of multiple ACVRL1 mutations in patients with pulmonary arterial hypertension by targeted exome capture. Clin Sci (Lond). 2016 Sep 1;130(17):1559-69. Richards-Yutz J et al. Update on molecular diagnosis of hereditary hemorrhagic telangiectasia. Hum Genet. 2010 Jul;128(1):61-77. Torring PM et al. National mutation study among Danish patients with hereditary haemorrhagic telangiectasia. Clin Genet. 2014 Aug;86(2):123-33.

Literature cited by the submitters: PubMed 24001356 (cited by Labcorp Genetics (formerly Invitae), Labcorp); PubMed 27316748 (cited by Labcorp Genetics (formerly Invitae), Labcorp); PubMed 20414677 (cited by Labcorp Genetics (formerly Invitae), Labcorp); PubMed 30578397 (cited by Labcorp Genetics (formerly Invitae), Labcorp).